The following is an entry in ClinVar:

NM_001145536.2(C17orf107):c.12C>A (p.Thr4=)

Genes: C17orf107 (chromosome 17 open reading frame 107; plus strand), CHRNE (cholinergic receptor nicotinic epsilon subunit; minus strand), LOC130060042 (ATAC-STARR-seq lymphoblastoid active region 11551; plus strand). Cytogenetic location: 17p13.2.
Variant type: single nucleotide variant.
Coding change: c.12C>A on transcript NM_001145536.2 (MANE Select); coding-DNA position 12, C replaced by A.
Protein change: p.Thr4=; no amino-acid change (threonine 4 retained).
Molecular consequence: synonymous variant. On other transcripts: intron variant (1).
Genome position (GRCh38, 1-based): chr17:4,899,774, C>A. VCF-style: chr17-4899774-C-A. GRCh37 (hg19) VCF-style: chr17-4803069-C-A.
Other names: c.918-192G>T (NM_000080.4).
Identifiers: ClinVar variation 3341797 (VCV003341797.16).

ClinVar aggregate classification (germline): Likely benign (1 of 4 stars; one submission).

gnomAD v4.1: 30 of 1,551,200 alleles (0.0019%); highest among the groups gnomAD compares: Middle Eastern, 0.017%; no homozygotes.

Submission:

CeGaT Center for Human Genetics Tuebingen
Classification: Likely benign. Last evaluated: 2024-09-01. Review status: criteria provided, single submitter. Criteria: CeGaT Center For Human Genetics Tuebingen Variant Classification Criteria Version 2. Collection method: clinical testing. Allele origin: germline. Affected: yes. Observed: 1 variant allele.
Comment: C17orf107: BP4, BP7